The following is an entry in ClinVar:

NM_002972.4(SBF1):c.3719A>G (p.Glu1240Gly)

Gene: SBF1 (SET binding factor 1; minus strand). Cytogenetic location: 22q13.33.
Variant type: single nucleotide variant.
Coding change: c.3719A>G on transcript NM_002972.4 (MANE Select); coding-DNA position 3719, A replaced by G.
Protein change: p.Glu1240Gly; replaces glutamic acid 1240 with glycine.
Molecular consequence: missense variant.
Genome position (GRCh38, 1-based): chr22:50,459,362, T>C on the plus strand (A>G on the coding strand, the complement: SBF1 is on the minus strand). VCF-style: chr22-50459362-T-C. GRCh37 (hg19) VCF-style: chr22-50897791-T-C.
Other names: c.3722A>G, p.Glu1241Gly (NM_001365819.1, NM_001410794.1); c.3719A>G, p.Glu1240Gly (NM_001410795.1); short protein forms E1240G, E1241G.
Identifiers: ClinVar variation 3616395 (VCV003616395.2).

ClinVar aggregate classification (germline): Uncertain significance (1 of 4 stars; one submission).

gnomAD v4.1: 13 of 1,612,518 alleles (0.00081%); highest among the groups gnomAD compares: Non-Finnish European, 0.001%; no homozygotes.

Submission:

Labcorp Genetics (formerly Invitae), Labcorp
Classification: Uncertain significance. Last evaluated: 2024-05-29. Review status: criteria provided, single submitter. Criteria: Invitae Variant Classification Sherloc (09022015). Collection method: clinical testing. Allele origin: germline.
Comment: This sequence change replaces glutamic acid, which is acidic and polar, with glycine, which is neutral and non-polar, at codon 1240 of the SBF1 protein (p.Glu1240Gly). This variant is present in population databases (no rsID available, gnomAD no frequency). This variant has not been reported in the literature in individuals affected with SBF1-related conditions. Advanced modeling of protein sequence and biophysical properties (such as structural, functional, and spatial information, amino acid conservation, physicochemical variation, residue mobility, and thermodynamic stability) performed at Invitae indicates that this missense variant is expected to disrupt SBF1 protein function with a positive predictive value of 80%. In summary, the available evidence is currently insufficient to determine the role of this variant in disease. Therefore, it has been classified as a Variant of Uncertain Significance.